The following is an entry in ClinVar:

NM_001267550.2(TTN):c.98081_98082del (p.Lys32694fs)

Genes: TTN (titin; minus strand), TTN-AS1 (TTN antisense RNA 1; plus strand). Cytogenetic location: 2q31.2.
Variant type: Deletion.
Coding change: c.98081_98082del on transcript NM_001267550.2 (MANE Select); coding-DNA positions 98081 to 98082, 2 bases deleted (AA; older notation c.98081_98082delAA).
Protein change: p.Lys32694fs; shifts the reading frame from lysine 32694.
Molecular consequence: frameshift variant.
Genome position (GRCh38, 1-based): chr2:178,540,084-178,540,085, TT deleted on the plus strand (AA on the coding strand, the reverse complement: TTN is on the minus strand); deleting any 2 consecutive bases within chr2:178,540,084-178,540,086 gives the same sequence; the c. name uses the placement nearest the transcript's 3' end. VCF-style (leftmost placement, unchanged base first): chr2-178540083-CTT-C. GRCh37 (hg19) VCF-style: chr2-179404810-CTT-C.
Other names: c.93158_93159del, p.Lys31053fs (NM_001256850.1); c.70886_70887del, p.Lys23629fs (NM_003319.4); c.90377_90378del, p.Lys30126fs (NM_133378.4); c.71261_71262del, p.Lys23754fs (NM_133432.3); c.71462_71463del, p.Lys23821fs (NM_133437.4); short protein forms K23629fs, K23754fs, K23821fs, K30126fs, K31053fs, K32694fs.
Identifiers: ClinVar variation 3757369 (VCV003757369.3).

ClinVar aggregate classification (germline): Likely pathogenic. Review status: criteria provided, multiple submitters, no conflicts (2 of 4 stars). 2 submissions from 2 submitters: Likely pathogenic (2). Last evaluated 2024-10-10.

Conditions:
TTN-related disorder. Also called: TTN-related condition; TTN-related disease; TTN-related disorders.
Dilated cardiomyopathy 1G (CMD1G). Identifiers: Orphanet 154, MedGen C1858763, MONDO:0011400, OMIM 604145.
Autosomal recessive limb-girdle muscular dystrophy type 2J (LGMDR10). Also called: Limb-girdle muscular dystrophy, type 2J; MUSCULAR DYSTROPHY, LIMB-GIRDLE, AUTOSOMAL RECESSIVE 10. Identifiers: Orphanet 140922, MedGen C1837342, MONDO:0012127, OMIM 608807.

Submissions (2):

Labcorp Genetics (formerly Invitae), Labcorp
Classification: Likely pathogenic for Dilated cardiomyopathy 1G; Autosomal recessive limb-girdle muscular dystrophy type 2J. Last evaluated: 2024-10-10. Review status: criteria provided, single submitter. Criteria: Invitae Variant Classification Sherloc (09022015). Collection method: clinical testing. Allele origin: germline.
Comment: This sequence change creates a premature translational stop signal (p.Lys32694Serfs*3) in the TTN gene. While this is not anticipated to result in nonsense mediated decay, it is expected to create a truncated TTN protein. This variant is not present in population databases (gnomAD no frequency). This variant has not been reported in the literature in individuals affected with TTN-related conditions. This variant is located in the A band of TTN (PMID: 25589632). Truncating variants in this region are significantly overrepresented in patients affected with dilated cardiomyopathy (PMID: 25589632). Truncating variants in this region have also been reported in individuals affected with autosomal recessive centronuclear myopathy (PMID: 23975875). In summary, the currently available evidence indicates that the variant is pathogenic, but additional data are needed to prove that conclusively. Therefore, this variant has been classified as Likely Pathogenic.

Blueprint Genetics
Classification: Likely pathogenic for TTN-related disorders. Last evaluated: 2024-06-10. Review status: criteria provided, single submitter. Criteria: ACMG Guidelines, 2015. Collection method: clinical testing. Allele origin: germline. Affected: yes. Observed: 1 variant allele.

Literature cited by the submitters: PubMed 25589632 (cited by Labcorp Genetics (formerly Invitae), Labcorp); PubMed 23975875 (cited by Labcorp Genetics (formerly Invitae), Labcorp).